The following is an entry in ClinVar:

NM_001145809.2(MYH14):c.2759A>G (p.Gln920Arg)

Gene: MYH14 (myosin heavy chain 14; plus strand). Cytogenetic location: 19q13.33.
Variant type: single nucleotide variant.
Coding change: c.2759A>G on transcript NM_001145809.2 (MANE Select); coding-DNA position 2759, A replaced by G.
Protein change: p.Gln920Arg; replaces glutamine 920 with arginine.
Molecular consequence: missense variant.
Genome position (GRCh38, 1-based): chr19:50,266,941, A>G. VCF-style: chr19-50266941-A-G. GRCh37 (hg19) VCF-style: chr19-50770198-A-G.
Other names: c.2660A>G, p.Gln887Arg (NM_001077186.2); c.2636A>G, p.Gln879Arg (NM_024729.4); short protein forms Q920R, Q887R, Q879R.
Identifiers: ClinVar variation 2770158 (VCV002770158.3), dbSNP rs2514400848, ClinGen allele CA406947629.

ClinVar aggregate classification (germline): Uncertain significance (1 of 4 stars; one submission).

Submission:

Labcorp Genetics (formerly Invitae), Labcorp
Classification: Uncertain significance. Last evaluated: 2023-10-19. Review status: criteria provided, single submitter. Criteria: Invitae Variant Classification Sherloc (09022015). Collection method: clinical testing. Allele origin: germline.
Comment: This sequence change replaces glutamine, which is neutral and polar, with arginine, which is basic and polar, at codon 879 of the MYH14 protein (p.Gln879Arg). This variant is not present in population databases (gnomAD no frequency). This variant has not been reported in the literature in individuals affected with MYH14-related conditions. Advanced modeling of protein sequence and biophysical properties (such as structural, functional, and spatial information, amino acid conservation, physicochemical variation, residue mobility, and thermodynamic stability) performed at Invitae indicates that this missense variant is not expected to disrupt MYH14 protein function. In summary, the available evidence is currently insufficient to determine the role of this variant in disease. Therefore, it has been classified as a Variant of Uncertain Significance.